The following is an entry in ClinVar:

ClinVar aggregate classification (germline): Uncertain significance (1 of 4 stars; one submission).

gnomAD v4.1: 4 of 1,533,986 alleles (0.00026%); highest among the groups gnomAD compares: Admixed American, 0.0022%; no homozygotes.

Submission:

Labcorp Genetics (formerly Invitae), Labcorp
Classification: Uncertain significance. Last evaluated: 2024-05-07. Review status: criteria provided, single submitter. Criteria: Invitae Variant Classification Sherloc (09022015). Collection method: clinical testing. Allele origin: germline.
Comment: This sequence change replaces leucine, which is neutral and non-polar, with proline, which is neutral and non-polar, at codon 881 of the TNK2 protein (p.Leu881Pro). This variant is present in population databases (no rsID available, gnomAD 0.005%). This variant has not been reported in the literature in individuals affected with TNK2-related conditions. An algorithm developed to predict the effect of missense changes on protein structure and function (PolyPhen-2) suggests that this variant is likely to be tolerated. In summary, the available evidence is currently insufficient to determine the role of this variant in disease. Therefore, it has been classified as a Variant of Uncertain Significance.

NM_001382273.1(TNK2):c.2453T>C (p.Leu818Pro)

Gene: TNK2 (tyrosine kinase non receptor 2; minus strand). Cytogenetic location: 3q29.
Variant type: single nucleotide variant.
Coding change: c.2453T>C on transcript NM_001382273.1 (MANE Select); coding-DNA position 2453, T replaced by C.
Protein change: p.Leu818Pro; replaces leucine 818 with proline.
Molecular consequence: missense variant. On other transcripts: non-coding transcript variant (15).
Genome position (GRCh38, 1-based): chr3:195,867,845, A>G on the plus strand (T>C on the coding strand, the complement: TNK2 is on the minus strand). VCF-style: chr3-195867845-A-G. GRCh37 (hg19) VCF-style: chr3-195594716-A-G.
Other names: c.2504T>C, p.Leu835Pro (NM_001308046.2, NM_001382271.1); c.2525T>C, p.Leu842Pro (NM_001382272.1, NM_001010938.2); c.2453T>C, p.Leu818Pro (NM_001382274.1, NM_001387716.1, NM_001387717.1 and 1 more transcripts); c.2408T>C, p.Leu803Pro (NM_001386164.1, NM_001387709.1, NM_001387712.1 and 8 more transcripts); c.2549T>C, p.Leu850Pro (NM_001387707.1, NM_001382275.1); c.2480T>C, p.Leu827Pro (NM_001387708.1, NM_001387715.1); short protein forms L827P, L842P, L835P, L803P, L850P, L818P.
Identifiers: ClinVar variation 3714685 (VCV003714685.2).